The following is an entry in ClinVar:

ClinVar aggregate classification (germline): Likely benign. Review status: criteria provided, multiple submitters, no conflicts (2 of 4 stars). 6 submissions from 6 submitters: Likely benign (6). Last evaluated 2026-09-01.

Conditions:
Inborn genetic diseases. Identifiers: MedGen C0950123, MeSH D030342.
LITAF-related disorder. Also called: LITAF-related condition.
Charcot-Marie-Tooth disease type 1C. Also called: CHARCOT-MARIE-TOOTH DISEASE, DEMYELINATING, TYPE 1C; CMT, SLOW NERVE CONDUCTION TYPE C; HMSN IC; CHARCOT-MARIE-TOOTH NEUROPATHY, TYPE 1C; NEUROPATHY, HEREDITARY MOTOR AND SENSORY, TYPE IC; Charcot-Marie-Tooth disease, type IC. Identifiers: Orphanet 101083, MedGen C0270913, MONDO:0010995, OMIM 601098.

Allele frequency attached by ClinVar (database versions not stated): ExAC 0.00004; gnomAD exomes 0.00004 and 0.00006; TOPMed 0.00005; gnomAD 0.00006 and 0.00007; ESP Exome Variant Server 0.00008.
gnomAD v4.1: 101 of 1,614,052 alleles (0.0063%); highest among the groups gnomAD compares: Non-Finnish European, 0.0077%; no homozygotes.

Submissions (6):

CeGaT Center for Human Genetics Tuebingen
Classification: Likely benign. Last evaluated: 2026-09-01. Review status: criteria provided, single submitter. Criteria: CeGaT Center For Human Genetics Tuebingen Variant Classification Criteria Version 2. Collection method: clinical testing. Allele origin: germline. Affected: yes. Observed: 1 variant allele.
Comment: LITAF: BP4, BP7

PreventionGenetics, part of Exact Sciences
Classification: Likely benign for LITAF-related condition. Last evaluated: 2025-10-01. Review status: criteria provided, single submitter. Criteria: ACMG Guidelines, 2015. Collection method: clinical testing. Allele origin: germline.
Comment: This variant is classified as likely benign based on ACMG/AMP sequence variant interpretation guidelines (Richards et al. 2015 PMID: 25741868, with internal and published modifications).

Labcorp Genetics (formerly Invitae), Labcorp
Classification: Likely benign for Charcot-Marie-Tooth disease type 1C. Last evaluated: 2025-06-20. Review status: criteria provided, single submitter. Criteria: Invitae Variant Classification Sherloc (09022015). Collection method: clinical testing. Allele origin: germline.

Blueprint Genetics
Classification: Likely benign. Last evaluated: 2024-08-26. Review status: criteria provided, single submitter. Criteria: ACMG Guidelines, 2015. Collection method: clinical testing. Allele origin: germline.

Ambry Genetics
Classification: Likely benign for Inborn genetic diseases. Last evaluated: 2019-07-11. Review status: criteria provided, single submitter. Criteria: Ambry Variant Classification Scheme 2023. Collection method: clinical testing. Allele origin: germline.

GeneDx
Classification: Likely benign. Last evaluated: 2017-05-18. Review status: criteria provided, single submitter. Criteria: GeneDx Variant Classification (06012015). Collection method: clinical testing. Allele origin: germline. Affected: yes.
Comment: This variant is considered likely benign or benign based on one or more of the following criteria: it is a conservative change, it occurs at a poorly conserved position in the protein, it is predicted to be benign by multiple in silico algorithms, and/or has population frequency not consistent with disease.

NM_001136472.2(LITAF):c.54C>T (p.Ser18=)

Gene: LITAF (lipopolysaccharide induced TNF factor; minus strand). Cytogenetic location: 16p13.13.
Variant type: single nucleotide variant.
Coding change: c.54C>T on transcript NM_001136472.2 (MANE Select); coding-DNA position 54, C replaced by T.
Protein change: p.Ser18=; no amino-acid change (serine 18 retained).
Molecular consequence: synonymous variant. On other transcripts: non-coding transcript variant (1).
Genome position (GRCh38, 1-based): chr16:11,556,677, G>A on the plus strand (C>T on the coding strand, the complement: LITAF is on the minus strand). VCF-style: chr16-11556677-G-A. GRCh37 (hg19) VCF-style: chr16-11650533-G-A.
Other names: c.54C>T, p.Ser18= (NM_001136473.1, NM_004862.4).
Identifiers: ClinVar variation 464049 (VCV000464049.16), dbSNP rs150211233, ClinGen allele CA7904192.